The following is an entry in ClinVar:

NM_000492.4(CFTR):c.4262T>C (p.Val1421Ala)

Genes: CFTR (CF transmembrane conductance regulator; plus strand), LOC111674477 (CFTR intron 23 enhancer; plus strand). Cytogenetic location: 7q31.2.
Variant type: single nucleotide variant.
Coding change: c.4262T>C on transcript NM_000492.4 (MANE Select); coding-DNA position 4262, T replaced by C.
Protein change: p.Val1421Ala; replaces valine 1421 with alanine.
Molecular consequence: missense variant.
Genome position (GRCh38, 1-based): chr7:117,666,927, T>C. VCF-style: chr7-117666927-T-C. GRCh37 (hg19) VCF-style: chr7-117306981-T-C.
Other names: short protein forms V1421A.
Identifiers: ClinVar variation 4651331 (VCV004651331.1).

ClinVar aggregate classification (germline): Uncertain significance (1 of 4 stars; one submission).

Conditions:
Cystic fibrosis (CF). Also called: MUCOVISCIDOSIS. Identifiers: Orphanet 586, MedGen C0010674, MONDO:0009061, OMIM 219700. Disease mechanism: loss of function.

gnomAD v4.1: 1 of 1,614,004 alleles (0.000062%); highest among the groups gnomAD compares: Non-Finnish European, 0.000085%; no homozygotes.

Submission:

Ambry Genetics
Classification: Uncertain significance for Cystic fibrosis. Last evaluated: 2025-12-05. Review status: criteria provided, single submitter. Criteria: Ambry Variant Classification Scheme 2023. Collection method: clinical testing. Allele origin: germline.
Comment: The p.V1421A variant (also known as c.4262T>C), located in coding exon 27 of the CFTR gene, results from a T to C substitution at nucleotide position 4262. The valine at codon 1421 is replaced by alanine, an amino acid with similar properties. This amino acid position is conserved. In addition, the in silico prediction for this alteration is inconclusive. Based on the available evidence, the clinical significance of this variant remains unclear.